The following is an entry in ClinVar:

NM_001122630.2(CDKN1C):c.596_597insGCTCCGGCCCC (p.Ala200fs)

Gene: CDKN1C (cyclin dependent kinase inhibitor 1C; minus strand). Cytogenetic location: 11p15.4.
Variant type: Insertion.
Coding change: c.596_597insGCTCCGGCCCC on transcript NM_001122630.2 (MANE Select); coding-DNA positions 596 to 597, GCTCCGGCCCC inserted.
Protein change: p.Ala200fs; shifts the reading frame from alanine 200.
Molecular consequence: frameshift variant. On other transcripts: intron variant (1).
Genome position: GRCh38 VCF-style: chr11-2884860-G-GGGGGCCGGAGC. GRCh37 (hg19) VCF-style: chr11-2906090-G-GGGGGCCGGAGC.
Other names: c.629_630insGCTCCGGCCCC, p.Ala211fs (NM_000076.2, NM_001362474.2); c.596_597insGCTCCGGCCCC, p.Ala200fs (NM_001122631.2); c.255+341_255+342insCCGGCCCCGCT (NM_001362475.2); short protein forms A200fs, A211fs.
Identifiers: ClinVar variation 192354 (VCV000192354.2), dbSNP rs786205241, ClinGen allele CA274879.
Genomic context (GRCh38, chr11:2,884,860, plus strand): 5'-CTGGTTCGCGCCCTGCTCGGCGCTCTCTTGAGGCGCCGCGTCCGGGGCCGGGGCCGGGGC[G>GGGGGCCGGAGC]GGGGCCGGGGCCGGGGCCGGGGCCGGGGCTGGGGCCGGGGCCGCGACTGGAGCCGGGGCC-3'

ClinVar aggregate classification (germline): Pathogenic (0 of 4 stars; one submission).

Conditions:
Beckwith-Wiedemann syndrome (BWS). Also called: Exomphalos macroglossia gigantism syndrome; EMG SYNDROME. Identifiers: Orphanet 116, MedGen C0004903, MONDO:0007534, OMIM 130650.

Submission:

Centre de Recherche Saint Antoine,  Université Pierre et Marie Curie
Classification: Pathogenic for Beckwith-Wiedemann syndrome. Review status: no assertion criteria provided. Collection method: not provided. Allele origin: unknown.
ClinVar note: Converted during submission from pathogenic to Pathogenic.